The following is an entry in ClinVar:

NM_001369268.1(ACAN):c.7046A>T (p.Asp2349Val)

Gene: ACAN (aggrecan; plus strand). Cytogenetic location: 15q26.1.
Variant type: single nucleotide variant.
Coding change: c.7046A>T on transcript NM_001369268.1 (MANE Select); coding-DNA position 7046, A replaced by T.
Protein change: p.Asp2349Val; replaces aspartic acid 2349 with valine.
Molecular consequence: missense variant. On other transcripts: intron variant (3).
Genome position (GRCh38, 1-based): chr15:88,868,315, A>T. VCF-style: chr15-88868315-A-T. GRCh37 (hg19) VCF-style: chr15-89411546-A-T.
Other names: c.6932A>T, p.Asp2311Val (NM_001411097.1); c.6947-3067A>T (NM_013227.4); c.6833-3067A>T (NM_001411096.1, NM_001135.4); short protein forms D2311V, D2349V.
Identifiers: ClinVar variation 4536917 (VCV004536917.1).

ClinVar aggregate classification (germline): Uncertain significance (1 of 4 stars; one submission).

Submission:

Women's Health and Genetics/Laboratory Corporation of America, LabCorp
Classification: Uncertain significance. Last evaluated: 2025-11-10. Review status: criteria provided, single submitter. Criteria: LabCorp Variant Classification Summary - May 2015. Collection method: clinical testing. Allele origin: germline.
Comment: Variant summary: ACAN c.7046A>T (p.Asp2349Val) results in a non-conservative amino acid change in the encoded protein sequence. Algorithms developed to predict the effect of missense changes on protein structure and function are either unavailable or do not agree on the potential impact of this missense change. The variant was absent in 134194 control chromosomes. The available data on variant occurrences in the general population are insufficient to allow any conclusion about variant significance. To our knowledge, no occurrence of c.7046A>T in individuals affected with ACAN-related conditions and no experimental evidence demonstrating its impact on protein function have been reported. No submitters have cited clinical-significance assessments for this variant to ClinVar. Based on the evidence outlined above, the variant was classified as uncertain significance.